The following is an entry in ClinVar:

NM_001378457.1(DMXL2):c.8777C>T (p.Thr2926Met)

Genes: DMXL2 (Dmx like 2; minus strand), LOC126862131 (MED14-independent group 3 enhancer GRCh37_chr15:51741640-51742839; plus strand). Cytogenetic location: 15q21.2.
Variant type: single nucleotide variant.
Coding change: c.8777C>T on transcript NM_001378457.1 (MANE Select); coding-DNA position 8777, C replaced by T.
Protein change: p.Thr2926Met; replaces threonine 2926 with methionine.
Molecular consequence: missense variant. On other transcripts: non-coding transcript variant (2).
Genome position (GRCh38, 1-based): chr15:51,450,319, G>A on the plus strand (C>T on the coding strand, the complement: DMXL2 is on the minus strand). VCF-style: chr15-51450319-G-A. GRCh37 (hg19) VCF-style: chr15-51742516-G-A.
Other names: c.8714C>T, p.Thr2905Met (NM_001174116.3); c.6803C>T, p.Thr2268Met (NM_001174117.3); c.8774C>T, p.Thr2925Met (NM_001378458.1); c.8489C>T, p.Thr2830Met (NM_001378459.1); c.6692C>T, p.Thr2231Met (NM_001378460.1); c.8711C>T, p.Thr2904Met (NM_015263.5); short protein forms T2926M, T2231M, T2905M, T2925M, T2830M, T2268M, T2904M.
Identifiers: ClinVar variation 1991553 (VCV001991553.5), dbSNP rs199576620, ClinGen allele CA7560892.
Genomic context (GRCh38, chr15:51,450,319, plus strand): 5'-ACGTGTCCTTTCCTACCCCCCGAGATTAGGAGTTGCTGTTTGGGTGCATACTGCAGTACC[G>A]TGGCACCATGATCGTGGCACGTGAAACCTGAAGAAGAAAAACATCAGAGAATTTCTCAAA-3'
Protein context (NP_001365386.1, residues 2916-2936): HGFTCHDHGA[Thr2926Met]VLQYAPKQQL

ClinVar aggregate classification (germline): Uncertain significance. Review status: criteria provided, multiple submitters, no conflicts (2 of 4 stars). 4 submissions from 4 submitters: Uncertain significance (4). Last evaluated 2026-05-29.

Conditions:
DMXL2-related disorder. Also called: DMXL2-related condition.
Inborn genetic diseases. Identifiers: MedGen C0950123, MeSH D030342.

Allele frequency attached by ClinVar (database versions not stated): TOPMed 0.00003; gnomAD 0.00005; gnomAD exomes 0.00012; ExAC 0.00021.
gnomAD v4.1: 184 of 1,613,490 alleles (0.011%); highest among the groups gnomAD compares: South Asian, 0.13%; 3 homozygotes.

Submissions (4):

PreventionGenetics, part of Exact Sciences
Classification: Uncertain significance for DMXL2-related condition. Last evaluated: 2026-05-29. Review status: criteria provided, single submitter. Criteria: ACMG Guidelines, 2015. Collection method: clinical testing. Allele origin: germline.
Comment: The DMXL2 c.8714C>T variant is predicted to result in the amino acid substitution p.Thr2905Met. To our knowledge, this variant has not been reported in the literature. This variant is reported in 0.14% of alleles in individuals of South Asian descent in gnomAD. Although we suspect that this variant may be benign, at this time, the clinical significance of this variant is uncertain due to the absence of conclusive functional and genetic evidence.

Labcorp Genetics (formerly Invitae), Labcorp
Classification: Uncertain significance. Last evaluated: 2025-01-11. Review status: criteria provided, single submitter. Criteria: Invitae Variant Classification Sherloc (09022015). Collection method: clinical testing. Allele origin: germline.
Comment: This sequence change replaces threonine, which is neutral and polar, with methionine, which is neutral and non-polar, at codon 2905 of the DMXL2 protein (p.Thr2905Met). This variant is present in population databases (rs199576620, gnomAD 0.1%), including at least one homozygous and/or hemizygous individual. This variant has not been reported in the literature in individuals affected with DMXL2-related conditions. ClinVar contains an entry for this variant (Variation ID: 1991553). An algorithm developed to predict the effect of missense changes on protein structure and function (PolyPhen-2) suggests that this variant is likely to be disruptive. In summary, the available evidence is currently insufficient to determine the role of this variant in disease. Therefore, it has been classified as a Variant of Uncertain Significance.

Women's Health and Genetics/Laboratory Corporation of America, LabCorp
Classification: Uncertain significance. Last evaluated: 2024-01-04. Review status: criteria provided, single submitter. Criteria: LabCorp Variant Classification Summary - May 2015. Collection method: clinical testing. Allele origin: germline.
Comment: Variant summary: DMXL2 c.8711C>T (p.Thr2904Met) results in a non-conservative amino acid change in the encoded protein sequence. Four of five in-silico tools predict a damaging effect of the variant on protein function. The variant allele was found at a frequency of 0.00021 in 251308 control chromosomes in the gnomAD database, including 1 homozygotes. To our knowledge, no occurrence of c.8711C>T in individuals affected with DMXL2-Related Disorders and no experimental evidence demonstrating its impact on protein function have been reported. Two submitters have cited clinical-significance assessments for this variant to ClinVar after 2014. All submitters classified the variant as uncertain significance. Based on the evidence outlined above, the variant was classified as uncertain significance.

Ambry Genetics
Classification: Uncertain significance for Inborn genetic diseases. Last evaluated: 2020-12-31. Review status: criteria provided, single submitter. Criteria: Ambry Variant Classification Scheme 2023. Collection method: clinical testing. Allele origin: germline.
Comment: The c.8714C>T (p.T2905M) alteration is located in exon 42 (coding exon 42) of the DMXL2 gene. This alteration results from a C to T substitution at nucleotide position 8714, causing the threonine (T) at amino acid position 2905 to be replaced by a methionine (M). The in silico prediction for the p.T2905M alteration is inconclusive. Based on insufficient or conflicting evidence, the clinical significance of this alteration remains unclear.